The following is an entry in ClinVar:

NM_004380.3(CREBBP):c.1871G>A (p.Arg624His)

Gene: CREBBP (CREB binding lysine acetyltransferase; minus strand). Cytogenetic location: 16p13.3.
Variant type: single nucleotide variant.
Coding change: c.1871G>A on transcript NM_004380.3 (MANE Select); coding-DNA position 1871, G replaced by A.
Protein change: p.Arg624His; replaces arginine 624 with histidine.
Molecular consequence: missense variant.
Genome position (GRCh38, 1-based): chr16:3,778,770, C>T on the plus strand (G>A on the coding strand, the complement: CREBBP is on the minus strand). VCF-style: chr16-3778770-C-T. GRCh37 (hg19) VCF-style: chr16-3828771-C-T.
Other names: c.1757G>A, p.Arg586His (NM_001079846.1); short protein forms R586H, R624H.
Identifiers: ClinVar variation 4527785 (VCV004527785.1).

ClinVar aggregate classification (germline): Uncertain significance (1 of 4 stars; one submission).

gnomAD v4.1: 2 of 1,613,972 alleles (0.00012%); highest among the groups gnomAD compares: Admixed American, 0.0017%; no homozygotes.

Submission:

GeneDx
Classification: Uncertain significance. Last evaluated: 2025-05-04. Review status: criteria provided, single submitter. Criteria: GeneDx Variant Classification Process June 2021. Collection method: clinical testing. Allele origin: germline. Affected: yes.
Comment: Not observed at significant frequency in large population cohorts (gnomAD); In silico analysis supports that this missense variant has a deleterious effect on protein structure/function; Has not been previously published as pathogenic or benign to our knowledge